The following is an entry in ClinVar:

NM_024408.4(NOTCH2):c.6007C>G (p.Arg2003Gly)

Gene: NOTCH2 (notch receptor 2; minus strand). Cytogenetic location: 1p12.
Variant type: single nucleotide variant.
Coding change: c.6007C>G on transcript NM_024408.4 (MANE Select); coding-DNA position 6007, C replaced by G.
Protein change: p.Arg2003Gly; replaces arginine 2003 with glycine.
Molecular consequence: missense variant.
Genome position (GRCh38, 1-based): chr1:119,917,685, G>C on the plus strand (C>G on the coding strand, the complement: NOTCH2 is on the minus strand). VCF-style: chr1-119917685-G-C. GRCh37 (hg19) VCF-style: chr1-120460308-G-C.
Other names: short protein forms R2003G.
Identifiers: ClinVar variation 4767155 (VCV004767155.1).
Genomic context (GRCh38, chr1:119,917,685, plus strand): 5'-TGCTATGAGCCTCCTCAAGCTCAGAGCCCACAAACTGTACCTTGTTGTCCTGCATGTCTC[G>C]GTTGGCCCCATTTTTCAACAACAAAAGAGTTGCCTCCACATTATTGACAGCAGCTGCCCA-3'
Protein context (NP_077719.2, residues 1993-2013): TLLLLKNGAN[Arg2003Gly]DMQDNKEETP

ClinVar aggregate classification (germline): Uncertain significance (1 of 4 stars; one submission).

Conditions:
Hajdu-Cheney syndrome (HJCYS). Also called: Acroosteolysis dominant type; SERPENTINE FIBULA-POLYCYSTIC KIDNEY SYNDROME; ACROOSTEOLYSIS WITH OSTEOPOROSIS AND CHANGES IN SKULL AND MANDIBLE. Identifiers: Orphanet 955, MedGen C0917715, MONDO:0007057, OMIM 102500.

gnomAD v4.1: 31 of 1,612,742 alleles (0.0019%); highest among the groups gnomAD compares: South Asian, 0.026%; 1 homozygote.

Submission:

Labcorp Genetics (formerly Invitae), Labcorp
Classification: Uncertain significance for Hajdu-Cheney syndrome. Last evaluated: 2025-02-02. Review status: criteria provided, single submitter. Criteria: Invitae Variant Classification Sherloc (09022015). Collection method: clinical testing. Allele origin: germline.
Comment: This sequence change replaces arginine, which is basic and polar, with glycine, which is neutral and non-polar, at codon 2003 of the NOTCH2 protein (p.Arg2003Gly). This variant is present in population databases (rs312262801, gnomAD 0.03%). This variant has not been reported in the literature in individuals affected with NOTCH2-related conditions. Invitae Evidence Modeling of protein sequence and biophysical properties (such as structural, functional, and spatial information, amino acid conservation, physicochemical variation, residue mobility, and thermodynamic stability) indicates that this missense variant is not expected to disrupt NOTCH2 protein function with a negative predictive value of 80%. In summary, the available evidence is currently insufficient to determine the role of this variant in disease. Therefore, it has been classified as a Variant of Uncertain Significance.